The following is an entry in ClinVar:

ClinVar aggregate classification (germline): Uncertain significance (1 of 4 stars; one submission).

Conditions:
Early-infantile DEE. Also called: Ohtahara syndrome; Early infantile epileptic encephalopathy; Early infantile epileptic encephalopathy with suppression bursts. Identifiers: Orphanet 1934, MedGen C0393706, MONDO:0800491.

Allele frequency attached by ClinVar (database versions not stated): gnomAD exomes below 0.00001; TOPMed below 0.00001; ExAC 0.00001; gnomAD 0.00001.
gnomAD v4.1: 4 of 1,614,038 alleles (0.00025%); highest among the groups gnomAD compares: Non-Finnish European, 0.00034%; no homozygotes.

Submission:

Labcorp Genetics (formerly Invitae), Labcorp
Classification: Uncertain significance for Early-infantile DEE. Last evaluated: 2023-05-11. Review status: criteria provided, single submitter. Criteria: Invitae Variant Classification Sherloc (09022015). Collection method: clinical testing. Allele origin: germline.
Comment: This sequence change replaces valine, which is neutral and non-polar, with isoleucine, which is neutral and non-polar, at codon 311 of the SPTAN1 protein (p.Val311Ile). The frequency data for this variant in the population databases is considered unreliable, as metrics indicate poor data quality at this position in the gnomAD database. This variant has not been reported in the literature in individuals affected with SPTAN1-related conditions. An algorithm developed to predict the effect of missense changes on protein structure and function (PolyPhen-2) suggests that this variant is likely to be disruptive. In summary, the available evidence is currently insufficient to determine the role of this variant in disease. Therefore, it has been classified as a Variant of Uncertain Significance.

NM_001130438.3(SPTAN1):c.931G>A (p.Val311Ile)

Gene: SPTAN1 (spectrin alpha, non-erythrocytic 1; plus strand). Cytogenetic location: 9q34.11.
Variant type: single nucleotide variant.
Coding change: c.931G>A on transcript NM_001130438.3 (MANE Select); coding-DNA position 931, G replaced by A.
Protein change: p.Val311Ile; replaces valine 311 with isoleucine.
Molecular consequence: missense variant.
Genome position (GRCh38, 1-based): chr9:128,577,352, G>A. VCF-style: chr9-128577352-G-A. GRCh37 (hg19) VCF-style: chr9-131339631-G-A.
Other names: c.931G>A, p.Val311Ile (NM_001195532.2, NM_001363759.2, NM_001363765.2 and 5 more transcripts); c.967G>A, p.Val323Ile (NM_001375312.2, NM_001375318.1); short protein forms V311I, V323I.
Identifiers: ClinVar variation 2991480 (VCV002991480.3), dbSNP rs758830664, ClinGen allele CA5264277.